The following is an entry in ClinVar:

ClinVar aggregate classification (germline): Uncertain significance (1 of 4 stars; one submission).

Conditions:
Hereditary nonpolyposis colorectal neoplasms. Identifiers: MedGen C0009405, MeSH D003123.

gnomAD v4.1: 2 of 1,506,980 alleles (0.00013%); highest among the groups gnomAD compares: South Asian, 0.0013%; no homozygotes.

Submission:

Labcorp Genetics (formerly Invitae), Labcorp
Classification: Uncertain significance for Hereditary nonpolyposis colorectal neoplasms. Last evaluated: 2022-08-21. Review status: criteria provided, single submitter. Criteria: Invitae Variant Classification Sherloc (09022015). Collection method: clinical testing. Allele origin: germline.
Comment: This variant has not been reported in the literature in individuals affected with MSH6-related conditions. In summary, the available evidence is currently insufficient to determine the role of this variant in disease. Therefore, it has been classified as a Variant of Uncertain Significance. Advanced modeling of protein sequence and biophysical properties (such as structural, functional, and spatial information, amino acid conservation, physicochemical variation, residue mobility, and thermodynamic stability) performed at Invitae indicates that this missense variant is not expected to disrupt MSH6 protein function. This variant is not present in population databases (gnomAD no frequency). This sequence change replaces serine, which is neutral and polar, with threonine, which is neutral and polar, at codon 65 of the MSH6 protein (p.Ser65Thr).

NM_000179.3(MSH6):c.193T>A (p.Ser65Thr)

Gene: MSH6 (mutS homolog 6; plus strand). Cytogenetic location: 2p16.3.
Variant type: single nucleotide variant.
Coding change: c.193T>A on transcript NM_000179.3 (MANE Select); coding-DNA position 193, T replaced by A.
Protein change: p.Ser65Thr; replaces serine 65 with threonine.
Molecular consequence: missense variant. On other transcripts: 5 prime UTR variant (1), synonymous variant (1).
Genome position (GRCh38, 1-based): chr2:47,783,426, T>A. VCF-style: chr2-47783426-T-A. GRCh37 (hg19) VCF-style: chr2-48010565-T-A.
Other names: c.193T>A, p.Ser65Thr (NM_001281492.2, NM_001406795.1, NM_001406796.1 and 9 more transcripts); c.-544T>A (NM_001281493.2, NM_001406811.1); c.-136T>A (NM_001406799.1); c.138T>A, p.Arg46= (NM_001406804.1); c.-736T>A (NM_001406807.1); c.-391T>A (NM_001406812.1); c.-802T>A (NM_001406814.1); c.-347T>A (NM_001406816.1); short protein forms S65T.
Identifiers: ClinVar variation 1717331 (VCV001717331.6), dbSNP rs1553408350, ClinGen allele CA346735027.